The following is an entry in ClinVar:

NM_020754.4(ARHGAP31):c.3343A>C (p.Ile1115Leu)

Gene: ARHGAP31 (Rho GTPase activating protein 31; plus strand). Cytogenetic location: 3q13.33.
Variant type: single nucleotide variant.
Coding change: c.3343A>C on transcript NM_020754.4 (MANE Select); coding-DNA position 3343, A replaced by C.
Protein change: p.Ile1115Leu; replaces isoleucine 1115 with leucine.
Molecular consequence: missense variant.
Genome position (GRCh38, 1-based): chr3:119,415,272, A>C. VCF-style: chr3-119415272-A-C. GRCh37 (hg19) VCF-style: chr3-119134119-A-C.
Other names: c.3343A>C (NM_020754.3, NM_020754.2); short protein forms I1115L.
Identifiers: ClinVar variation 2175740 (VCV002175740.8), dbSNP rs12107254, ClinGen allele CA2554184.
Genomic context (GRCh38, chr3:119,415,272, plus strand): 5'-TGTGGGCCCCCAAAAGGGAAAAACAGGCCTTCTTCCCTCAACTTGGACCCTGCCATTCCC[A>C]TTGCTGACCTCTTCTGGTTTGAGAATGTGGCCTCATTTAGTTCACCTGGAATGCAGGTCT-3'
Protein context (NP_065805.2, residues 1105-1125): SSLNLDPAIP[Ile1115Leu]ADLFWFENVA

ClinVar aggregate classification (germline): Conflicting classifications of pathogenicity. Review status: criteria provided, conflicting classifications (1 of 4 stars). 4 submissions from 4 submitters: Uncertain significance (1); Likely benign (2). 1 of the submissions does not count toward it. Last evaluated 2025-11-24.

Conditions:
ARHGAP31-related disorder. Also called: ARHGAP31-related condition.
Inborn genetic diseases. Identifiers: MedGen C0950123, MeSH D030342.

Allele frequency attached by ClinVar (database versions not stated): ESP Exome Variant Server 0.00041; gnomAD 0.00066; TOPMed 0.00070; 1000 Genomes Project 0.00100; 1000 Genomes Project 30x 0.00109.
gnomAD v4.1: 187 of 1,614,128 alleles (0.012%); highest among the groups gnomAD compares: African/African-American, 0.23%; no homozygotes.

Submissions (4):

Ambry Genetics
Classification: Likely benign for Inborn genetic diseases. Last evaluated: 2025-11-24. Review status: criteria provided, single submitter. Criteria: Ambry Variant Classification Scheme 2023. Collection method: clinical testing. Allele origin: germline.

GeneDx
Classification: Uncertain significance. Last evaluated: 2024-04-03. Review status: criteria provided, single submitter. Criteria: GeneDx Variant Classification Process June 2021. Collection method: clinical testing. Allele origin: germline. Affected: yes.
Comment: In silico analysis supports that this missense variant does not alter protein structure/function; Has not been previously published as pathogenic or benign to our knowledge

Labcorp Genetics (formerly Invitae), Labcorp
Classification: Likely benign. Last evaluated: 2023-05-01. Review status: criteria provided, single submitter. Criteria: Invitae Variant Classification Sherloc (09022015). Collection method: clinical testing. Allele origin: germline.

PreventionGenetics, part of Exact Sciences
Classification: Likely benign for ARHGAP31-related condition. Last evaluated: 2020-06-04. Review status: no assertion criteria provided. Collection method: clinical testing. Allele origin: germline. Not counted in ClinVar's aggregate classification.
Comment: This variant is classified as likely benign based on ACMG/AMP sequence variant interpretation guidelines (Richards et al. 2015 PMID: 25741868, with internal and published modifications).